The following is an entry in ClinVar:

NM_000433.4(NCF2):c.715G>A (p.Ala239Thr)

Gene: NCF2 (neutrophil cytosolic factor 2; minus strand). Cytogenetic location: 1q25.3.
Variant type: single nucleotide variant.
Coding change: c.715G>A on transcript NM_000433.4 (MANE Select); coding-DNA position 715, G replaced by A.
Protein change: p.Ala239Thr; replaces alanine 239 with threonine.
Molecular consequence: missense variant.
Genome position (GRCh38, 1-based): chr1:183,567,344, C>T on the plus strand (G>A on the coding strand, the complement: NCF2 is on the minus strand). VCF-style: chr1-183567344-C-T. GRCh37 (hg19) VCF-style: chr1-183536479-C-T.
Other names: c.715G>A, p.Ala239Thr (NM_001127651.3); c.472G>A, p.Ala158Thr (NM_001190789.2); c.580G>A, p.Ala194Thr (NM_001190794.2); c.607G>A, p.Ala203Thr (NM_001410895.1); short protein forms A158T, A194T, A203T, A239T.
Identifiers: ClinVar variation 1925079 (VCV001925079.3), dbSNP rs2527930695, ClinGen allele CA343672960.
Genomic context (GRCh38, chr1:183,567,344, plus strand): 5'-GCTCTTCTTTTGTCTCAGGCACAAACCCAAATAGCACACGGTGAGCCTCCCCTTCCAGAG[C>T]CCTGCAGAGGATAGACACAAGATCCAGCCCCCATCCCCTCACATGATGCCATGGCGCAAA-3'
Protein context (NP_000424.2, residues 229-249): PRPKTPEIFR[Ala239Thr]LEGEAHRVLF

ClinVar aggregate classification (germline): Uncertain significance (1 of 4 stars; one submission).

Conditions:
Granulomatous disease, chronic, autosomal recessive, cytochrome b-positive, type 2. Also called: GRANULOMATOUS DISEASE, CHRONIC, AUTOSOMAL RECESSIVE, 2; Chronic granulomatous disease due to deficiency of NCF-2; GRANULOMATOUS DISEASE, CHRONIC, DUE TO NCF2 DEFICIENCY; Chronic Granulomatous Disease, Autosomal Recessive, Cytochrome b-Positive, Type II; CGD, AUTOSOMAL RECESSIVE CYTOCHROME b-POSITIVE, TYPE II. Identifiers: Orphanet 379, MedGen C1856245, MONDO:0009310, OMIM 233710.

Submission:

Labcorp Genetics (formerly Invitae), Labcorp
Classification: Uncertain significance for Granulomatous disease, chronic, autosomal recessive, cytochrome b-positive, type 2. Last evaluated: 2023-12-04. Review status: criteria provided, single submitter. Criteria: Invitae Variant Classification Sherloc (09022015). Collection method: clinical testing. Allele origin: germline.
Comment: This sequence change replaces alanine, which is neutral and non-polar, with threonine, which is neutral and polar, at codon 239 of the NCF2 protein (p.Ala239Thr). This variant is not present in population databases (gnomAD no frequency). This variant has not been reported in the literature in individuals affected with NCF2-related conditions. ClinVar contains an entry for this variant (Variation ID: 1925079). An algorithm developed to predict the effect of missense changes on protein structure and function (PolyPhen-2) suggests that this variant¬†is likely to be tolerated. In summary, the available evidence is currently insufficient to determine the role of this variant in disease. Therefore, it has been classified as a Variant of Uncertain Significance.